The following is an entry in ClinVar:

NM_014634.4(PPM1F):c.168C>T (p.Gly56=)

Gene: PPM1F (protein phosphatase, Mg2+/Mn2+ dependent 1F; minus strand). Cytogenetic location: 22q11.22.
Variant type: single nucleotide variant.
Coding change: c.168C>T on transcript NM_014634.4 (MANE Select); coding-DNA position 168, C replaced by T.
Protein change: p.Gly56=; no amino-acid change (glycine 56 retained).
Molecular consequence: synonymous variant. On other transcripts: intron variant (1).
Genome position (GRCh38, 1-based): chr22:21,945,881, G>A on the plus strand (C>T on the coding strand, the complement: PPM1F is on the minus strand). VCF-style: chr22-21945881-G-A. GRCh37 (hg19) VCF-style: chr22-22300253-G-A.
Other names: c.-298-6201C>T (NM_001410836.1); c.168C>T (NM_014634.3).
Identifiers: ClinVar variation 2054292 (VCV002054292.6), dbSNP rs189969314, ClinGen allele CA10125199.
Genomic context (GRCh38, chr22:21,945,881, plus strand): 5'-CTTTGGGGGTGCACAGGCCTACCTGCTGCCCAGAAAGCCCATGGCCAGCTCAGCCAGCTC[G>A]CCCTCCACCTCCTCCTGGCTGAGCACCGTCCCTGGGGCCTTCCATGGCAGAGGGTCCTCT-3'
Protein context (NP_055449.1, residues 46-66): GTVLSQEEVE[Gly56=]ELAELAMGFL

ClinVar aggregate classification (germline): Uncertain significance. Review status: criteria provided, multiple submitters, no conflicts (2 of 4 stars). 2 submissions from 2 submitters: Uncertain significance (2). Last evaluated 2026-05-13.

Conditions:
PPM1F-related condition.

Allele frequency attached by ClinVar (database versions not stated): gnomAD exomes 0.00013; TOPMed 0.00015; gnomAD 0.00021; ExAC 0.00025; 1000 Genomes Project 30x 0.00094; 1000 Genomes Project 0.00100.
gnomAD v4.1: 233 of 1,612,080 alleles (0.014%); highest among the groups gnomAD compares: Middle Eastern, 0.14%; 2 homozygotes.

Submissions (4):

PreventionGenetics, part of Exact Sciences
Classification: Uncertain significance for PPM1F-related condition. Last evaluated: 2026-05-13. Review status: criteria provided, single submitter. Criteria: ACMG Guidelines, 2015. Collection method: clinical testing. Allele origin: germline.
Comment: The PPM1F c.168C>T variant is not predicted to result in an amino acid change (p.=). To our knowledge, this variant has not been reported in the literature. This variant is reported in 0.049% of alleles in individuals of Latino descent in gnomAD. At this time, the clinical significance of this variant is uncertain due to the absence of conclusive functional and genetic evidence.

Labcorp Genetics (formerly Invitae), Labcorp
Classification: Uncertain significance. Last evaluated: 2025-08-15. Review status: criteria provided, single submitter. Criteria: Invitae Variant Classification Sherloc (09022015). Collection method: clinical testing. Allele origin: germline.
Comment: This sequence change affects codon 56 of the PPM1F mRNA. It is a 'silent' change, meaning that it does not change the encoded amino acid sequence of the PPM1F protein. This variant is present in population databases (rs189969314, gnomAD 0.04%). This variant has not been reported in the literature in individuals affected with PPM1F-related conditions. ClinVar contains an entry for this variant (Variation ID: 2054292). Algorithms developed to predict the effect of sequence changes on RNA splicing suggest that this variant may create or strengthen a splice site. In summary, the available evidence is currently insufficient to determine the role of this variant in disease. Therefore, it has been classified as a Variant of Uncertain Significance.

Dr. Peter K. Rogan Lab, Western University
No classification provided (evidence only). Condition: Clear cell carcinoma of kidney. Review status: no classification provided. Collection method: in vitro. Allele origin: not applicable. Functional consequence: retained intron. Not counted in ClinVar's aggregate classification.

Dr. Peter K. Rogan Lab, Western University
No classification provided (evidence only). Condition: Thyroid cancer, nonmedullary, 1. Review status: no classification provided. Collection method: in vitro. Allele origin: not applicable. Functional consequence: retained intron. Not counted in ClinVar's aggregate classification.